The following is an entry in ClinVar:

ClinVar aggregate classification (germline): Uncertain significance (1 of 4 stars; one submission).

Conditions:
Cardiovascular phenotype. Identifiers: MedGen CN230736.

Submission:

Ambry Genetics
Classification: Uncertain significance for Cardiovascular phenotype. Last evaluated: 2025-03-07. Review status: criteria provided, single submitter. Criteria: Ambry Variant Classification Scheme 2023. Collection method: clinical testing. Allele origin: germline.
Comment: The p.V1214G variant (also known as c.3641T>G), located in coding exon 27 of the DMD gene, results from a T to G substitution at nucleotide position 3641. The valine at codon 1214 is replaced by glycine, an amino acid with dissimilar properties. This amino acid position is highly conserved in available vertebrate species. In addition, this alteration is predicted to be deleterious by in silico analysis. Based on the available evidence, the clinical significance of this variant remains unclear.

NM_004006.3(DMD):c.3641T>G (p.Val1214Gly)

Gene: DMD (dystrophin; minus strand). Cytogenetic location: Xp21.1.
Variant type: single nucleotide variant.
Coding change: c.3641T>G on transcript NM_004006.3 (MANE Select); coding-DNA position 3641, T replaced by G.
Protein change: p.Val1214Gly; replaces valine 1214 with glycine.
Molecular consequence: missense variant.
Genome position (GRCh38, 1-based): chrX:32,448,601, A>C on the plus strand (T>G on the coding strand, the complement: DMD is on the minus strand). VCF-style: chrX-32448601-A-C. GRCh37 (hg19) VCF-style: chrX-32466718-A-C.
Other names: c.3617T>G, p.Val1206Gly (NM_000109.4); c.3629T>G, p.Val1210Gly (NM_004009.3); c.3272T>G, p.Val1091Gly (NM_004010.3); short protein forms V1091G, V1206G, V1210G, V1214G.
Identifiers: ClinVar variation 3840493 (VCV003840493.1).